The following is an entry in ClinVar:

ClinVar aggregate classification (germline): Likely benign. Review status: criteria provided, multiple submitters, no conflicts (2 of 4 stars). 2 submissions from 2 submitters: Likely benign (2). Last evaluated 2025-05-10.

Conditions:
Pyridoxine-dependent epilepsy (EPEO4). Also called: Pyridoxine-Dependent Seizures; PYRIDOXINE DEPENDENCY WITH SEIZURES; EPILEPSY, EARLY-ONSET, 4, VITAMIN B6-DEPENDENT; Pyridoxine-Dependent Epilepsy - ALDH7A1. Identifiers: Orphanet 3006, MedGen C1849508, MONDO:0009945, OMIM 266100. Disease mechanism: loss of function.

Allele frequency attached by ClinVar (database versions not stated): gnomAD exomes 0.00001; gnomAD 0.00001.
gnomAD v4.1: 22 of 1,614,084 alleles (0.0014%); highest among the groups gnomAD compares: Non-Finnish European, 0.0018%; no homozygotes.

Submissions (2):

Labcorp Genetics (formerly Invitae), Labcorp
Classification: Likely benign for Pyridoxine-dependent epilepsy. Last evaluated: 2025-05-10. Review status: criteria provided, single submitter. Criteria: Invitae Variant Classification Sherloc (09022015). Collection method: clinical testing. Allele origin: germline.

GeneDx
Classification: Likely benign. Last evaluated: 2017-02-23. Review status: criteria provided, single submitter. Criteria: GeneDx Variant Classification (06012015). Collection method: clinical testing. Allele origin: germline. Affected: yes.
Comment: This variant is considered likely benign or benign based on one or more of the following criteria: it is a conservative change, it occurs at a poorly conserved position in the protein, it is predicted to be benign by multiple in silico algorithms, and/or has population frequency not consistent with disease.

NM_001182.5(ALDH7A1):c.573C>T (p.Ile191=)

Gene: ALDH7A1 (aldehyde dehydrogenase 7 family member A1; minus strand). Cytogenetic location: 5q23.2.
Variant type: single nucleotide variant.
Coding change: c.573C>T on transcript NM_001182.5 (MANE Select); coding-DNA position 573, C replaced by T.
Protein change: p.Ile191=; no amino-acid change (isoleucine 191 retained).
Molecular consequence: synonymous variant.
Genome position (GRCh38, 1-based): chr5:126,577,156, G>A on the plus strand (C>T on the coding strand, the complement: ALDH7A1 is on the minus strand). VCF-style: chr5-126577156-G-A. GRCh37 (hg19) VCF-style: chr5-125912848-G-A.
Other names: c.489C>T, p.Ile163= (NM_001201377.2); c.573C>T, p.Ile191= (NM_001202404.2).
Identifiers: ClinVar variation 507655 (VCV000507655.4), dbSNP rs1554100447, ClinGen allele CA446284026.
Genomic context (GRCh38, chr5:126,577,156, plus strand): 5'-ACAGATCATGGCGATGGCGTTGTTCCAACCATACACTGCCACAGGGAAATTGAATGCCGT[G>A]ATGATTCCAACCAGGCCTACGGGATTCCACTGCTCAATCAGTGCATGGCCAGATCCTGAG-3'
Protein context (NP_001173.2, residues 181-201): QWNPVGLVGI[Ile191=]TAFNFPVAVY